The following is an entry in ClinVar:

ClinVar aggregate classification (germline): Uncertain significance. Review status: criteria provided, multiple submitters, no conflicts (2 of 4 stars). 4 submissions from 4 submitters: Uncertain significance (4). Last evaluated 2024-09-25.

Conditions:
Ehlers-Danlos syndrome, classic type, 1 (EDSCL1). Also called: Ehlers-Danlos Syndrome, Classic Type, COL5A1-Related; EDS I; Ehlers-Danlos syndrome, type 1; EHLERS-DANLOS SYNDROME, GRAVIS TYPE; EHLERS-DANLOS SYNDROME, SEVERE CLASSIC TYPE. Identifiers: MedGen C0268335, MONDO:0019567, OMIM 130000.
Familial thoracic aortic aneurysm and aortic dissection (TAAD). Also called: Thoracic aortic aneurysms and dissections. Identifiers: Orphanet 91387, MedGen C4707243, MONDO:0019625.

Allele frequency attached by ClinVar (database versions not stated): gnomAD exomes below 0.00001; TOPMed below 0.00001.
gnomAD v4.1: 5 of 1,613,796 alleles (0.00031%); highest among the groups gnomAD compares: Non-Finnish European, 0.00042%; no homozygotes.

Submissions (4):

GeneDx
Classification: Uncertain significance. Last evaluated: 2024-09-25. Review status: criteria provided, single submitter. Criteria: GeneDx Variant Classification Process June 2021. Collection method: clinical testing. Allele origin: germline. Affected: yes.
Comment: Not observed at significant frequency in large population cohorts (gnomAD); In silico analysis indicates that this missense variant does not alter protein structure/function; Has not been previously published as pathogenic or benign to our knowledge

Labcorp Genetics (formerly Invitae), Labcorp
Classification: Uncertain significance for Ehlers-Danlos syndrome, classic type, 1. Last evaluated: 2023-12-20. Review status: criteria provided, single submitter. Criteria: Invitae Variant Classification Sherloc (09022015). Collection method: clinical testing. Allele origin: germline.
Comment: This sequence change replaces asparagine, which is neutral and polar, with serine, which is neutral and polar, at codon 526 of the COL5A2 protein (p.Asn526Ser). This variant is not present in population databases (gnomAD no frequency). This variant has not been reported in the literature in individuals affected with COL5A2-related conditions. ClinVar contains an entry for this variant (Variation ID: 519664). Advanced modeling of protein sequence and biophysical properties (such as structural, functional, and spatial information, amino acid conservation, physicochemical variation, residue mobility, and thermodynamic stability) performed at Invitae indicates that this missense variant is not expected to disrupt COL5A2 protein function with a negative predictive value of 80%. In summary, the available evidence is currently insufficient to determine the role of this variant in disease. Therefore, it has been classified as a Variant of Uncertain Significance.

Women's Health and Genetics/Laboratory Corporation of America, LabCorp
Classification: Uncertain significance. Last evaluated: 2023-07-30. Review status: criteria provided, single submitter. Criteria: LabCorp Variant Classification Summary - May 2015. Collection method: clinical testing. Allele origin: germline.

Ambry Genetics
Classification: Uncertain significance for Familial thoracic aortic aneurysm and aortic dissection. Last evaluated: 2016-03-10. Review status: criteria provided, single submitter. Criteria: Ambry Variant Classification Scheme 2023. Collection method: clinical testing. Allele origin: germline.
Comment: The p.N526S variant (also known as c.1577A>G), located in coding exon 24 of the COL5A2 gene, results from an A to G substitution at nucleotide position 1577. The asparagine at codon 526 is replaced by serine, an amino acid with highly similar properties. This variant was not reported in population based cohorts in the following databases: Database of Single Nucleotide Polymorphisms (dbSNP), NHLBI Exome Sequencing Project (ESP), and 1000 Genomes Project. In the ESP, this variant was not observed in 6503 samples (13006 alleles) with coverage at this position. This amino acid position is highly conserved in available vertebrate species. In addition, this alteration is predicted to be tolerated by in silico analysis. Since supporting evidence is limited at this time, the clinical significance of this alteration remains unclear.

NM_000393.5(COL5A2):c.1577A>G (p.Asn526Ser)

Gene: COL5A2 (collagen type V alpha 2 chain; minus strand). Cytogenetic location: 2q32.2.
Variant type: single nucleotide variant.
Coding change: c.1577A>G on transcript NM_000393.5 (MANE Select); coding-DNA position 1577, A replaced by G.
Protein change: p.Asn526Ser; replaces asparagine 526 with serine.
Molecular consequence: missense variant.
Genome position (GRCh38, 1-based): chr2:189,065,044, T>C on the plus strand (A>G on the coding strand, the complement: COL5A2 is on the minus strand). VCF-style: chr2-189065044-T-C. GRCh37 (hg19) VCF-style: chr2-189929770-T-C.
Other names: c.1577A>G (NM_000393.4); short protein forms N526S.
Identifiers: ClinVar variation 519664 (VCV000519664.10), dbSNP rs1553515522, ClinGen allele CA349850972.
Genomic context (GRCh38, chr2:189,065,044, plus strand): 5'-CATTGACAGGGCAACCTCACCTTTGGCCCAGGTAAACCATCAGAGCCTGGAAAACCACGA[T>C]TGCCAGGAGCACCCTACAAATGACCAAAATGTGATTCTTAATTGTTGTTGATATTTTTGC-3'
Protein context (NP_000384.2, residues 516-536): GPVGERGAPG[Asn526Ser]RGFPGSDGLP